The following is an entry in ClinVar:

ClinVar aggregate classification (germline): Likely benign. Review status: criteria provided, single submitter (1 of 4 stars). 2 submissions from 2 submitters: Likely benign (1). 1 of the submissions does not count toward it. Last evaluated 2024-10-16.

Conditions:
LRRK1-related disorder. Also called: LRRK1-related condition.

Allele frequency attached by ClinVar (database versions not stated): TOPMed 0.00002; gnomAD 0.00003.
gnomAD v4.1: 18 of 1,610,964 alleles (0.0011%); highest among the groups gnomAD compares: Admixed American, 0.0033%; no homozygotes.

Submissions (2):

Labcorp Genetics (formerly Invitae), Labcorp
Classification: Likely benign. Last evaluated: 2024-10-16. Review status: criteria provided, single submitter. Criteria: Invitae Variant Classification Sherloc (09022015). Collection method: clinical testing. Allele origin: germline.

PreventionGenetics, part of Exact Sciences
Classification: Likely benign for LRRK1-related condition. Last evaluated: 2019-02-23. Review status: no assertion criteria provided. Collection method: clinical testing. Allele origin: germline. Not counted in ClinVar's aggregate classification.
Comment: This variant is classified as likely benign based on ACMG/AMP sequence variant interpretation guidelines (Richards et al. 2015 PMID: 25741868, with internal and published modifications).

NM_024652.6(LRRK1):c.5742C>T (p.Ala1914=)

Genes: LRRK1 (leucine rich repeat kinase 1; plus strand), LRRK1-AS1 (LRRK1 antisense RNA 1; minus strand). Cytogenetic location: 15q26.3.
Variant type: single nucleotide variant.
Coding change: c.5742C>T on transcript NM_024652.6 (MANE Select); coding-DNA position 5742, C replaced by T.
Protein change: p.Ala1914=; no amino-acid change (alanine 1914 retained).
Molecular consequence: synonymous variant.
Genome position (GRCh38, 1-based): chr15:101,066,179, C>T. VCF-style: chr15-101066179-C-T. GRCh37 (hg19) VCF-style: chr15-101606384-C-T.
Identifiers: ClinVar variation 2898201 (VCV002898201.5), dbSNP rs1465503592, ClinGen allele CA492432647.